The following is an entry in ClinVar:

NM_020987.5(ANK3):c.7940T>A (p.Val2647Asp)

Gene: ANK3 (ankyrin 3; minus strand). Cytogenetic location: 10q21.2.
Variant type: single nucleotide variant.
Coding change: c.7940T>A on transcript NM_020987.5 (MANE Select); coding-DNA position 7940, T replaced by A.
Protein change: p.Val2647Asp; replaces valine 2647 with aspartic acid.
Molecular consequence: missense variant. On other transcripts: intron variant (4).
Genome position (GRCh38, 1-based): chr10:60,072,941, A>T on the plus strand (T>A on the coding strand, the complement: ANK3 is on the minus strand). VCF-style: chr10-60072941-A-T. GRCh37 (hg19) VCF-style: chr10-61832699-A-T.
Other names: c.4388-4932T>A (NM_001204403.2); c.4409-4932T>A (NM_001204404.2); c.4406-4932T>A (NM_001320874.2); c.1808-4932T>A (NM_001149.4); short protein forms V2647D.
Identifiers: ClinVar variation 434162 (VCV000434162.11), dbSNP rs376931030, ClinGen allele CA5511641.

ClinVar aggregate classification (germline): Conflicting classifications of pathogenicity. Review status: criteria provided, conflicting classifications (1 of 4 stars). 4 submissions from 4 submitters: Uncertain significance (3); Likely benign (1). Last evaluated 2024-09-12.

Conditions:
Inborn genetic diseases. Identifiers: MedGen C0950123, MeSH D030342.

Allele frequency attached by ClinVar (database versions not stated): gnomAD below 0.00001 and 0.00002; TOPMed 0.00003; gnomAD exomes 0.00013 and 0.00026; ExAC 0.00025.
gnomAD v4.1: 184 of 1,613,894 alleles (0.011%); highest among the groups gnomAD compares: South Asian, 0.2%; 2 homozygotes.

Submissions (4):

GeneDx
Classification: Uncertain significance. Last evaluated: 2024-09-12. Review status: criteria provided, single submitter. Criteria: GeneDx Variant Classification Process June 2021. Collection method: clinical testing. Allele origin: germline. Affected: yes.
Comment: In silico analysis indicates that this missense variant does not alter protein structure/function; Has not been previously published as pathogenic or benign to our knowledge

Ambry Genetics
Classification: Likely benign for Inborn genetic diseases. Last evaluated: 2024-05-20. Review status: criteria provided, single submitter. Criteria: Ambry Variant Classification Scheme 2023. Collection method: clinical testing. Allele origin: germline.

Labcorp Genetics (formerly Invitae), Labcorp
Classification: Uncertain significance. Last evaluated: 2022-04-06. Review status: criteria provided, single submitter. Criteria: Invitae Variant Classification Sherloc (09022015). Collection method: clinical testing. Allele origin: germline.
Comment: In summary, the available evidence is currently insufficient to determine the role of this variant in disease. Therefore, it has been classified as a Variant of Uncertain Significance. Algorithms developed to predict the effect of missense changes on protein structure and function are either unavailable or do not agree on the potential impact of this missense change (SIFT: "Not Available"; PolyPhen-2: "Benign"; Align-GVGD: "Not Available"). ClinVar contains an entry for this variant (Variation ID: 434162). This variant has not been reported in the literature in individuals affected with ANK3-related conditions. This variant is present in population databases (rs376931030, gnomAD 0.2%). This sequence change replaces valine, which is neutral and non-polar, with aspartic acid, which is acidic and polar, at codon 2647 of the ANK3 protein (p.Val2647Asp).

Genetic Services Laboratory, University of Chicago
Classification: Uncertain significance. Last evaluated: 2016-01-04. Review status: criteria provided, single submitter. Criteria: ACMG Guidelines, 2015. Collection method: clinical testing. Allele origin: germline. Affected: no.